The following is an entry in ClinVar:

NM_001378183.1(PIEZO2):c.1904A>C (p.Gln635Pro)

Gene: PIEZO2 (piezo type mechanosensitive ion channel component 2; minus strand). Cytogenetic location: 18p11.22.
Variant type: single nucleotide variant.
Coding change: c.1904A>C on transcript NM_001378183.1 (MANE Select); coding-DNA position 1904, A replaced by C.
Protein change: p.Gln635Pro; replaces glutamine 635 with proline.
Molecular consequence: missense variant.
Genome position (GRCh38, 1-based): chr18:10,789,344, T>G on the plus strand (A>C on the coding strand, the complement: PIEZO2 is on the minus strand). VCF-style: chr18-10789344-T-G. GRCh37 (hg19) VCF-style: chr18-10789342-T-G.
Other names: c.1904A>C, p.Gln635Pro (NM_001410871.1, NM_022068.4); short protein forms Q635P.
Identifiers: ClinVar variation 4883534 (VCV004883534.2).

ClinVar aggregate classification (germline): Uncertain significance (1 of 4 stars; one submission).

Submission:

Dasa
Classification: Uncertain significance. Last evaluated: 2025-07-08. Review status: criteria provided, single submitter. Criteria: DASA Assertion Criteria. Collection method: clinical testing. Allele origin: germline.
Comment: NM_001378183.1(PIEZO2):c.1904A>C (p.Gln635Pro) is a missense variant that results in the substitution of glutamine with proline. This variant is absent from population databases. Computational prediction algorithms are consistent with a benign effect. The currently available literature and clinical evidence are not sufficient to establish a definitive association between this variant and the reported condition. Therefore, this variant is classified as a variant of uncertain significance.